The following is an entry in ClinVar:

ClinVar aggregate classification (germline): Uncertain significance (1 of 4 stars; one submission).

Allele frequency attached by ClinVar (database versions not stated): gnomAD exomes below 0.00001; TOPMed below 0.00001; ExAC 0.00001; gnomAD 0.00001.
gnomAD v4.1: 1 of 1,613,934 alleles (0.000062%); highest among the groups gnomAD compares: East Asian, 0.0022%; no homozygotes.

Submission:

GeneDx
Classification: Uncertain significance. Last evaluated: 2022-01-11. Review status: criteria provided, single submitter. Criteria: GeneDx Variant Classification Process June 2021. Collection method: clinical testing. Allele origin: germline. Affected: yes.
Comment: In silico analysis supports that this missense variant does not alter protein structure/function; Has not been previously published as pathogenic or benign to our knowledge

NM_002609.4(PDGFRB):c.814A>C (p.Ile272Leu)

Gene: PDGFRB (platelet derived growth factor receptor beta; minus strand). Cytogenetic location: 5q32.
Variant type: single nucleotide variant.
Coding change: c.814A>C on transcript NM_002609.4 (MANE Select); coding-DNA position 814, A replaced by C.
Protein change: p.Ile272Leu; replaces isoleucine 272 with leucine.
Molecular consequence: missense variant.
Genome position (GRCh38, 1-based): chr5:150,133,706, T>G on the plus strand (A>C on the coding strand, the complement: PDGFRB is on the minus strand). VCF-style: chr5-150133706-T-G. GRCh37 (hg19) VCF-style: chr5-149513269-T-G.
Other names: c.622A>C, p.Ile208Leu (NM_001355016.2); c.331A>C, p.Ile111Leu (NM_001355017.2); short protein forms I111L, I208L, I272L.
Identifiers: ClinVar variation 1695853 (VCV001695853.2), dbSNP rs765818881, ClinGen allele CA3508187.